The following is an entry in ClinVar:

NM_170784.3(MKKS):c.966del (p.Glu322fs)

Gene: MKKS (MKKS centrosomal shuttling protein; minus strand). Cytogenetic location: 20p12.2.
Variant type: Deletion.
Coding change: c.966del on transcript NM_170784.3 (MANE Select); coding-DNA position 966, one base deleted (A; older notation c.966delA).
Protein change: p.Glu322fs; shifts the reading frame from glutamic acid 322.
Molecular consequence: frameshift variant.
Genome position (GRCh38, 1-based): chr20:10,412,549, T deleted on the plus strand (A on the coding strand, the reverse complement: MKKS is on the minus strand); the first of 2 consecutive T bases (chr20:10,412,549-10,412,550); deleting either gives the same sequence. VCF-style (leftmost placement, unchanged base first): chr20-10412548-GT-G. GRCh37 (hg19) VCF-style: chr20-10393196-GT-G.
Other names: c.966del, p.Glu322fs (NM_018848.3); short protein forms E322fs.
Identifiers: ClinVar variation 2676539 (VCV002676539.5), dbSNP rs2064897275, ClinGen allele CA2349780705.

ClinVar aggregate classification (germline): Pathogenic/Likely pathogenic. Review status: criteria provided, multiple submitters, no conflicts (2 of 4 stars). 2 submissions from 2 submitters: Pathogenic (1); Likely pathogenic (1). Last evaluated 2024-02-15.

Conditions:
McKusick-Kaufman syndrome (MKKS). Also called: HYDROMETROCOLPOS SYNDROME; HYDROMETROCOLPOS, POSTAXIAL POLYDACTYLY, AND CONGENITAL HEART MALFORMATION. Identifiers: Orphanet 2473, MedGen C0948368, MONDO:0009367, OMIM 236700.
Bardet-Biedl syndrome (BBS). Identifiers: Orphanet 110, MedGen C0752166, MONDO:0015229.
Bardet-Biedl syndrome 6 (BBS6). Identifiers: Orphanet 110, MedGen C1858054, MONDO:0011523, OMIM 605231.

Submissions (2):

Baylor Genetics
Classification: Likely pathogenic for Bardet-Biedl syndrome 6. Last evaluated: 2024-02-15. Review status: criteria provided, single submitter. Criteria: ACMG Guidelines, 2015. Collection method: clinical testing. Allele origin: unknown.

Labcorp Genetics (formerly Invitae), Labcorp
Classification: Pathogenic for McKusick-Kaufman syndrome; Bardet-Biedl syndrome. Last evaluated: 2022-12-06. Review status: criteria provided, single submitter. Criteria: Invitae Variant Classification Sherloc (09022015). Collection method: clinical testing. Allele origin: germline.
Comment: This sequence change creates a premature translational stop signal (p.Glu322Aspfs*3) in the MKKS gene. It is expected to result in an absent or disrupted protein product. Loss-of-function variants in MKKS are known to be pathogenic (PMID: 11179009, 28761321, 30614526). For these reasons, this variant has been classified as Pathogenic. This variant has not been reported in the literature in individuals affected with MKKS-related conditions. This variant is not present in population databases (gnomAD no frequency).

Literature cited by the submitters: PubMed 11179009 (cited by Labcorp Genetics (formerly Invitae), Labcorp); PubMed 28761321 (cited by Labcorp Genetics (formerly Invitae), Labcorp); PubMed 30614526 (cited by Labcorp Genetics (formerly Invitae), Labcorp).